The following is an entry in ClinVar:

NM_004360.5(CDH1):c.88C>A (p.Pro30Thr)

Gene: CDH1 (cadherin 1; plus strand). Cytogenetic location: 16q22.1.
Variant type: single nucleotide variant.
Coding change: c.88C>A on transcript NM_004360.5 (MANE Select); coding-DNA position 88, C replaced by A.
Protein change: p.Pro30Thr; replaces proline 30 with threonine.
Molecular consequence: missense variant. On other transcripts: 5 prime UTR variant (2).
Genome position (GRCh38, 1-based): chr16:68,738,336, C>A. VCF-style: chr16-68738336-C-A. GRCh37 (hg19) VCF-style: chr16-68772239-C-A.
Other names: p.P30T:CCT>ACT; NM_004360.4(CDH1):c.88C>A; c.88C>A, p.Pro30Thr (NM_001317184.2); c.-1528C>A (NM_001317185.2); c.-1732C>A (NM_001317186.2); short protein forms P30T.
Identifiers: ClinVar variation 127933 (VCV000127933.90), dbSNP rs139866691, ClinGen allele CA151524.

ClinVar aggregate classification (germline): Benign. Review status: reviewed by expert panel (3 of 4 stars). 28 submissions from 28 submitters: Benign (1). 27 of the submissions do not count toward it. Last evaluated 2023-08-17.

Conditions:
Endometrial carcinoma. Also called: Endometrial carcinoma, somatic. Identifiers: MedGen C0476089, MONDO:0002447, OMIM 608089, HP:0012114.
Hereditary diffuse gastric adenocarcinoma (HDGC). Also called: DIFFUSE GASTRIC AND LOBULAR BREAST CANCER SYNDROME. Identifiers: Orphanet 26106, MedGen C1708349, MONDO:0007648, OMIM 137215.
Familial cancer of breast. Also called: hereditary breast carcinoma; BREAST CANCER, FAMILIAL; Hereditary breast cancer. Identifiers: Orphanet 227535, MedGen C0346153, MONDO:0016419, OMIM 114480. Disease mechanism: loss of function.
Ovarian neoplasm. Also called: Neoplasm of ovary; Ovarian tumor; Ovarian Neoplasms. Identifiers: MedGen C0919267, MeSH D010051, MONDO:0021068, HP:0100615.
Prostate cancer. Also called: Malignant tumor of prostate. Identifiers: Orphanet 1331, MedGen C0376358, MONDO:0008315, HP:0012125.
Blepharocheilodontic syndrome 1 (BCDS1). Identifiers: Orphanet 1997, MedGen C4551988, MONDO:0054740, OMIM 119580.
CDH1-related diffuse gastric and lobular breast cancer syndrome. Also called: CDH1-related diffuse gastric and lobular breast cancer. Identifiers: MedGen CN311521, MONDO:0100488.
Breast and/or ovarian cancer. Identifiers: MedGen CN221562.
Hereditary cancer-predisposing syndrome. Also called: Neoplastic Syndromes, Hereditary; Hereditary Cancer Syndrome; Tumor predisposition; Hereditary neoplastic syndrome. Identifiers: Orphanet 140162, MedGen C0027672, MeSH D009386, MONDO:0015356.
Orofacial cleft. Also called: Orofacial clefting; Oral cleft. Identifiers: MedGen C3266076, MONDO:0000358, HP:0000202.

Allele frequency attached by ClinVar (database versions not stated): 1000 Genomes Project 30x 0.00031; 1000 Genomes Project 0.00040; ExAC 0.00094; ESP Exome Variant Server 0.00105; TOPMed 0.00121; gnomAD 0.00126 and 0.00129; gnomAD exomes 0.00134.
gnomAD v4.1: 3,158 of 1,531,846 alleles (0.21%); highest among the groups gnomAD compares: Non-Finnish European, 0.26%; 3 homozygotes.

Submissions 1 to 15 of 28:

Clingen Gastric Cancer Variant Curation Expert Panel
Classification: Benign for CDH1-related diffuse gastric and lobular breast cancer syndrome. Last evaluated: 2023-08-17. Review status: reviewed by expert panel. Criteria: ClinGen CDH1 ACMG Specifications V3.1. Collection method: curation. Allele origin: germline. Inheritance: Autosomal dominant inheritance.
Comment: The c.88C>A (p.Pro30Thr) variant has an allele frequency of 0.00249 (0.25%, 178/71372 alleles) in the European (non-Finnish) subpopulation of the gnomAD cohort (BA1). In addition to meeting stand along criteria for a benign classification, this variant has also been seen in >900 individuals without a diagnosis of diffuse gastric cancer, signet ring tumor or lobular breast cancer and whose family histories do not suggest HDGC (BS2; internal laboratory contributors). In summary, this variant meets criteria to be classified as benign. ACMG/AMP criteria applied, as specified by the CDH1 Variant Curation Expert Panel (Variant Interpretation Guidelines Version 3.1): BA1, BS2.

CeGaT Center for Human Genetics Tuebingen
Classification: Likely benign. Last evaluated: 2026-09-01. Review status: criteria provided, single submitter. Criteria: CeGaT Center For Human Genetics Tuebingen Variant Classification Criteria Version 2. Collection method: clinical testing. Allele origin: germline. Affected: yes. Observed: 15 variant alleles. Not counted in ClinVar's aggregate classification.
Comment: CDH1: BS1

Labcorp Genetics (formerly Invitae), Labcorp
Classification: Benign for Hereditary diffuse gastric adenocarcinoma. Last evaluated: 2026-02-04. Review status: criteria provided, single submitter. Criteria: Invitae Variant Classification Sherloc (09022015). Collection method: clinical testing. Allele origin: germline. Not counted in ClinVar's aggregate classification.

Center for Genomic Medicine, Rigshospitalet, Copenhagen University Hospital
Classification: Benign. Last evaluated: 2025-03-04. Review status: criteria provided, single submitter. Criteria: ACMG Guidelines, 2015. Collection method: clinical testing. Allele origin: germline. Not counted in ClinVar's aggregate classification.

ARUP Laboratories, Molecular Genetics and Genomics, ARUP Laboratories
Classification: Benign. Last evaluated: 2025-01-17. Review status: criteria provided, single submitter. Criteria: ARUP Molecular Germline Variant Investigation Process 2024. Collection method: clinical testing. Allele origin: germline. Not counted in ClinVar's aggregate classification.

Myriad Genetics, Inc.
Classification: Benign for Hereditary diffuse gastric adenocarcinoma. Last evaluated: 2025-01-16. Review status: criteria provided, single submitter. Criteria: Myriad Autosomal Dominant, Autosomal Recessive and X-Linked Classification Criteria (2023). Collection method: clinical testing. Allele origin: unknown. Not counted in ClinVar's aggregate classification.
Comment: This variant is considered benign. Homozygosity has been confirmed in one or more individuals. As homozygosity for pathogenic variants in this gene is generally assumed to result in embryonic lethality, this variant is unlikely to be pathogenic. This variant has been observed at a population frequency that is significantly greater than expected given the associated disease prevalence and penetrance.

Blueprint Genetics
Classification: Likely benign. Last evaluated: 2024-11-26. Review status: criteria provided, single submitter. Criteria: ACMG Guidelines, 2015. Collection method: clinical testing. Allele origin: germline. Not counted in ClinVar's aggregate classification.

CHEO Genetics Diagnostic Laboratory, Children's Hospital of Eastern Ontario
Classification: Likely benign for Breast and/or ovarian cancer. Last evaluated: 2023-01-18. Review status: criteria provided, single submitter. Criteria: ACMG Guidelines, 2015. Collection method: clinical testing. Allele origin: germline. Not counted in ClinVar's aggregate classification.

Quest Diagnostics Nichols Institute San Juan Capistrano
Classification: Benign. Last evaluated: 2022-11-15. Review status: criteria provided, single submitter. Criteria: Quest Diagnostics criteria. Collection method: clinical testing. Allele origin: unknown. Not counted in ClinVar's aggregate classification.

European Reference Network on Genetic Tumour Risk Syndromes (ERN-GENTURIS), i3s - Instituto de Investigação e Inovação em Saúde, University of Porto
Classification: Benign for Hereditary diffuse gastric adenocarcinoma. Last evaluated: 2022-08-01. Review status: criteria provided, single submitter. Criteria: Lee et al. (Hum Mutat. 2018). Collection method: clinical testing. Allele origin: germline. Inheritance: Autosomal dominant inheritance. Affected: yes. Study: ERN GENTURIS. Not counted in ClinVar's aggregate classification.
Comment: BA1; BS2 (PMID: 30311375)

Fulgent Genetics
Classification: Likely benign for Familial cancer of breast; Blepharocheilodontic syndrome 1; Hereditary diffuse gastric adenocarcinoma; Ovarian cancer; Familial prostate cancer; Endometrial carcinoma. Last evaluated: 2022-04-19. Review status: criteria provided, single submitter. Criteria: ACMG Guidelines, 2015. Collection method: clinical testing. Allele origin: unknown. Not counted in ClinVar's aggregate classification.

Sema4
Classification: Benign for Hereditary cancer-predisposing syndrome. Last evaluated: 2020-10-22. Review status: criteria provided, single submitter. Criteria: Sema4 Curation Guidelines. Collection method: curation. Allele origin: germline. Not counted in ClinVar's aggregate classification.

GeneDx
Classification: Likely benign. Last evaluated: 2020-07-28. Review status: criteria provided, single submitter. Criteria: GeneDx Variant Classification Process June 2021. Collection method: clinical testing. Allele origin: germline. Affected: yes. Not counted in ClinVar's aggregate classification.
Comment: In silico analysis, which includes protein predictors and evolutionary conservation, supports a deleterious effect; This variant is associated with the following publications: (PMID: 25593300, 29958926, 26483394, 29348693, 29589180, 26022348, 27616075, 28944238, 27978560, 25637381, 28135145, 15831593, 10094558, 27443514, 27153395, 26759166, 27146957, 26976419, 26123647, 26072394, 25980754, 12800196, 20921021, 24493355, 23197654, 22470475, 24728327, none)

Women's Health and Genetics/Laboratory Corporation of America, LabCorp
Classification: Benign. Last evaluated: 2020-01-23. Review status: criteria provided, single submitter. Criteria: LabCorp Variant Classification Summary - May 2015. Collection method: clinical testing. Allele origin: germline. Not counted in ClinVar's aggregate classification.
Comment: Variant summary: CDH1 c.88C>A (p.Pro30Thr) results in a non-conservative amino acid change located in the Cadherin prodomain (IPR014868) of the encoded protein sequence. Three of five in-silico tools predict a benign effect of the variant on protein function. The variant allele was found at a frequency of 0.0013 in 156216 control chromosomes. The observed variant frequency is approximately 47 fold of the estimated maximal expected allele frequency for a pathogenic variant in CDH1 causing Hereditary Diffuse Gastric Cancer phenotype (2.8e-05), strongly suggesting that the variant is benign. c.88C>A has been reported in the literature in individuals affected with Hereditary Diffuse Gastric Cancer. These reports do not provide unequivocal conclusions about association of the variant with Hereditary Diffuse Gastric Cancer. Co-occurrences with other pathogenic variant(s) have been reported (MUTYH c.1227_1228dupGG, p.Glu410Glyfs*43; CTNNA1 c.76delGA, p.Arg27ThrfsX17; CHEK2 c.1100delC, p.T367fs*15), providing supporting evidence for a benign role. At least one publication reported experimental evidence evaluating an impact on protein function, demonstrating reduced localization of the variant protein to the plasma membrane, slightly decreased cell aggregation and minor increase in the invasion capacity of cells expressing the variant however, these results do not allow convincing conclusions about the variant effect (Vogelaar 2012). Thirteen clinical diagnostic laboratories and an expert panel have submitted clinical-significance assessments for this variant to ClinVar after 2014 without evidence for independent evaluation (12x benign/likely benign, 1x VUS, expert panel benign). Based on the evidence outlined above, the variant was classified as benign.

Mendelics
Classification: Likely benign for Hereditary diffuse gastric adenocarcinoma. Last evaluated: 2019-05-28. Review status: criteria provided, single submitter. Criteria: Mendelics Assertion Criteria 2017. Collection method: clinical testing. Allele origin: unknown. Not counted in ClinVar's aggregate classification.